The following is an entry in ClinVar:

NM_000245.4(MET):c.3259+4A>G

Gene: MET (MET proto-oncogene, receptor tyrosine kinase; plus strand). Cytogenetic location: 7q31.2.
Variant type: single nucleotide variant.
Coding change: c.3259+4A>G on transcript NM_000245.4 (MANE Select); 4 bases into the intron after coding-DNA position 3259, A replaced by G.
Molecular consequence: intron variant.
Genome position (GRCh38, 1-based): chr7:116,775,115, A>G. VCF-style: chr7-116775115-A-G. GRCh37 (hg19) VCF-style: chr7-116415169-A-G.
Other names: c.3313+4A>G (NM_001127500.3); c.1969+4A>G (NM_001324402.2).
Identifiers: ClinVar variation 2747021 (VCV002747021.3), dbSNP rs2117032501, ClinGen allele CA2697557561.
Genomic context (GRCh38, chr7:116,775,115, plus strand): 5'-ATGTAGTGATTGGGCCCAGTAGCCTGATTGTGCATTTCAATGAAGTCATAGGAAGAGGTA[A>G]GTATTTCCACTCAGCTTTTTGTTAAATACGATTTTCCAGTAAGCATTTTATCTTTGGCCT-3'

ClinVar aggregate classification (germline): Uncertain significance (1 of 4 stars; one submission).

Conditions:
Renal cell carcinoma. Identifiers: Orphanet 217071, MedGen C0007134, MeSH D002292, MONDO:0005086, HP:0005584.

Submission:

Labcorp Genetics (formerly Invitae), Labcorp
Classification: Uncertain significance for Renal cell carcinoma. Last evaluated: 2023-07-26. Review status: criteria provided, single submitter. Criteria: Invitae Variant Classification Sherloc (09022015). Collection method: clinical testing. Allele origin: germline.
Comment: In summary, the available evidence is currently insufficient to determine the role of this variant in disease. Therefore, it has been classified as a Variant of Uncertain Significance. Variants that disrupt the consensus splice site are a relatively common cause of aberrant splicing (PMID: 17576681, 9536098). Algorithms developed to predict the effect of sequence changes on RNA splicing suggest that this variant is not likely to affect RNA splicing. This variant has not been reported in the literature in individuals affected with MET-related conditions. This variant is not present in population databases (gnomAD no frequency). This sequence change falls in intron 15 of the MET gene. It does not directly change the encoded amino acid sequence of the MET protein. It affects a nucleotide within the consensus splice site.

Literature cited by the submitters: PubMed 17576681; PubMed 9536098.